The following is an entry in ClinVar:

ClinVar aggregate classification (germline): Uncertain significance (1 of 4 stars; one submission).

Submission:

GeneDx
Classification: Uncertain significance. Last evaluated: 2022-08-22. Review status: criteria provided, single submitter. Criteria: GeneDx Variant Classification Process June 2021. Collection method: clinical testing. Allele origin: germline. Affected: yes.
Comment: Frameshift variant predicted to result in protein truncation as the last 22 amino acids are replaced with 1 different amino acids, although loss-of-function variants have not been reported downstream of this position in the protein; Not observed at significant frequency in large population cohorts (gnomAD); Has not been previously published as pathogenic or benign to our knowledge

NM_002971.6(SATB1):c.2224del (p.Ser742fs)

Gene: SATB1 (SATB homeobox 1; minus strand). Cytogenetic location: 3p24.3.
Variant type: Deletion.
Coding change: c.2224del on transcript NM_002971.6 (MANE Select); coding-DNA position 2224, one base deleted (T; older notation c.2224delT).
Protein change: p.Ser742fs; shifts the reading frame from serine 742.
Molecular consequence: frameshift variant.
Genome position (GRCh38, 1-based): chr3:18,349,238, A deleted on the plus strand (T on the coding strand, the reverse complement: SATB1 is on the minus strand); the first of 6 consecutive A bases (chr3:18,349,238-18,349,243); deleting any one gives the same sequence. VCF-style (leftmost placement, unchanged base first): chr3-18349237-GA-G. GRCh37 (hg19) VCF-style: chr3-18390729-GA-G.
Other names: c.2224del, p.Ser742fs (NM_001131010.4, NM_001322872.2, NM_001322873.2 and 2 more transcripts); c.2320del, p.Ser774fs (NM_001195470.3, NM_001322871.2); c.2008del, p.Ser670fs (NM_001322876.2); short protein forms S670fs, S742fs, S774fs.
Identifiers: ClinVar variation 2430441 (VCV002430441.1), dbSNP rs1694217596, ClinGen allele CA2580069187.